The following is an entry in ClinVar:

ClinVar aggregate classification (germline): Uncertain significance (1 of 4 stars; one submission).

Conditions:
Cardiovascular phenotype. Identifiers: MedGen CN230736.

Allele frequency attached by ClinVar (database versions not stated): gnomAD 0.00001.

Submission:

Ambry Genetics
Classification: Uncertain significance for Cardiovascular phenotype. Last evaluated: 2024-02-04. Review status: criteria provided, single submitter. Criteria: Ambry Variant Classification Scheme 2023. Collection method: clinical testing. Allele origin: germline.
Comment: The p.P181L variant (also known as c.542C>T), located in coding exon 2 of the TNXB gene, results from a C to T substitution at nucleotide position 542. The proline at codon 181 is replaced by leucine, an amino acid with similar properties. This amino acid position is conserved. In addition, this alteration is predicted to be tolerated by in silico analysis. Based on the available evidence, the clinical significance of this alteration remains unclear.

NM_001365276.2(TNXB):c.542C>T (p.Pro181Leu)

Gene: TNXB (tenascin XB; minus strand). Cytogenetic location: 6p21.33.
Variant type: single nucleotide variant.
Coding change: c.542C>T on transcript NM_001365276.2 (MANE Select); coding-DNA position 542, C replaced by T.
Protein change: p.Pro181Leu; replaces proline 181 with leucine.
Molecular consequence: missense variant.
Genome position (GRCh38, 1-based): chr6:32,097,311, G>A on the plus strand (C>T on the coding strand, the complement: TNXB is on the minus strand). VCF-style: chr6-32097311-G-A. GRCh37 (hg19) VCF-style: chr6-32065088-G-A.
Other names: c.542C>T, p.Pro181Leu (NM_001428335.1, NM_019105.8); short protein forms P181L.
Identifiers: ClinVar variation 3227290 (VCV003227290.1), dbSNP rs1780470216, ClinGen allele CA363487432.